The following is an entry in ClinVar:

NM_032242.4(PLXNA1):c.2530G>A (p.Ala844Thr)

Gene: PLXNA1 (plexin A1; plus strand). Cytogenetic location: 3q21.3.
Variant type: single nucleotide variant.
Coding change: c.2530G>A on transcript NM_032242.4 (MANE Select); coding-DNA position 2530, G replaced by A.
Protein change: p.Ala844Thr; replaces alanine 844 with threonine.
Molecular consequence: missense variant.
Genome position (GRCh38, 1-based): chr3:127,014,301, G>A. VCF-style: chr3-127014301-G-A. GRCh37 (hg19) VCF-style: chr3-126733144-G-A.
Other names: short protein forms A844T.
Identifiers: ClinVar variation 2365845 (VCV002365845.7), dbSNP rs199523740, ClinGen allele CA2593656.

ClinVar aggregate classification (germline): Conflicting classifications of pathogenicity. Review status: criteria provided, conflicting classifications (1 of 4 stars). 3 submissions from 3 submitters: Uncertain significance (1); Likely benign (1). 1 of the submissions does not count toward it. Last evaluated 2025-10-26.

Conditions:
PLXNA1-related disorder. Also called: PLXNA1-related condition.

Allele frequency attached by ClinVar (database versions not stated): ESP Exome Variant Server 0.00024; gnomAD exomes 0.00018; ExAC 0.00038; TOPMed 0.00008; gnomAD 0.00013; 1000 Genomes Project 30x 0.00047.
gnomAD v4.1: 276 of 1,595,588 alleles (0.017%); highest among the groups gnomAD compares: South Asian, 0.14%; 4 homozygotes.

Submissions (3):

Labcorp Genetics (formerly Invitae), Labcorp
Classification: Likely benign. Last evaluated: 2025-10-26. Review status: criteria provided, single submitter. Criteria: Invitae Variant Classification Sherloc (09022015). Collection method: clinical testing. Allele origin: germline.

Ambry Genetics
Classification: Uncertain significance. Last evaluated: 2025-02-23. Review status: criteria provided, single submitter. Criteria: Ambry Variant Classification Scheme 2023. Collection method: clinical testing. Allele origin: germline.

PreventionGenetics, part of Exact Sciences
Classification: Likely benign for PLXNA1-related condition. Last evaluated: 2019-07-01. Review status: no assertion criteria provided. Collection method: clinical testing. Allele origin: germline. Not counted in ClinVar's aggregate classification.
Comment: This variant is classified as likely benign based on ACMG/AMP sequence variant interpretation guidelines (Richards et al. 2015 PMID: 25741868, with internal and published modifications).